The following is an entry in ClinVar:

NM_003924.4(PHOX2B):c.497C>A (p.Ala166Glu)

Gene: PHOX2B (paired like homeobox 2B; minus strand). Cytogenetic location: 4p13.
Variant type: single nucleotide variant.
Coding change: c.497C>A on transcript NM_003924.4 (MANE Select); coding-DNA position 497, C replaced by A.
Protein change: p.Ala166Glu; replaces alanine 166 with glutamic acid.
Molecular consequence: missense variant.
Genome position (GRCh38, 1-based): chr4:41,746,255, G>T on the plus strand (C>A on the coding strand, the complement: PHOX2B is on the minus strand). VCF-style: chr4-41746255-G-T. GRCh37 (hg19) VCF-style: chr4-41748272-G-T.
Other names: short protein forms A166E.
Identifiers: ClinVar variation 844482 (VCV000844482.11), dbSNP rs774521395, ClinGen allele CA356738525.

ClinVar aggregate classification (germline): Uncertain significance. Review status: criteria provided, multiple submitters, no conflicts (2 of 4 stars). 3 submissions from 3 submitters: Uncertain significance (3). Last evaluated 2024-02-13.

Conditions:
Haddad syndrome (OHD). Also called: Ondine-Hirschsprung disease. Identifiers: Orphanet 99803, MedGen C1859049, MONDO:0020493.
Hereditary cancer-predisposing syndrome. Also called: Hereditary Cancer Syndrome; Hereditary neoplastic syndrome; Tumor predisposition; Neoplastic Syndromes, Hereditary. Identifiers: Orphanet 140162, MedGen C0027672, MeSH D009386, MONDO:0015356.
Neuroblastoma, susceptibility to, 2. Identifiers: Orphanet 635, MedGen C2751682, MONDO:0700041, OMIM 613013.

Allele frequency attached by ClinVar (database versions not stated): gnomAD 0.00001.
gnomAD v4.1: 3 of 1,613,282 alleles (0.00019%); highest among the groups gnomAD compares: Admixed American, 0.0033%; no homozygotes.

Submissions (3):

Baylor Genetics
Classification: Uncertain significance for Neuroblastoma, susceptibility to, 2. Last evaluated: 2024-02-13. Review status: criteria provided, single submitter. Criteria: ACMG Guidelines, 2015. Collection method: clinical testing. Allele origin: unknown.

Ambry Genetics
Classification: Uncertain significance for Hereditary cancer-predisposing syndrome. Last evaluated: 2023-11-14. Review status: criteria provided, single submitter. Criteria: Ambry Variant Classification Scheme 2023. Collection method: clinical testing. Allele origin: germline.
Comment: The p.A166E variant (also known as c.497C>A), located in coding exon 3 of the PHOX2B gene, results from a C to A substitution at nucleotide position 497. The alanine at codon 166 is replaced by glutamic acid, an amino acid with dissimilar properties. This amino acid position is conserved. In addition, the in silico prediction for this alteration is inconclusive. Since supporting evidence is limited at this time, the clinical significance of this alteration remains unclear.

Labcorp Genetics (formerly Invitae), Labcorp
Classification: Uncertain significance for Haddad syndrome. Last evaluated: 2023-05-02. Review status: criteria provided, single submitter. Criteria: Invitae Variant Classification Sherloc (09022015). Collection method: clinical testing. Allele origin: germline.
Comment: ClinVar contains an entry for this variant (Variation ID: 844482). Advanced modeling of protein sequence and biophysical properties (such as structural, functional, and spatial information, amino acid conservation, physicochemical variation, residue mobility, and thermodynamic stability) performed at Invitae indicates that this missense variant is not expected to disrupt PHOX2B protein function. This variant has not been reported in the literature in individuals affected with PHOX2B-related conditions. This variant is not present in population databases (gnomAD no frequency). This sequence change replaces alanine, which is neutral and non-polar, with glutamic acid, which is acidic and polar, at codon 166 of the PHOX2B protein (p.Ala166Glu). In summary, the available evidence is currently insufficient to determine the role of this variant in disease. Therefore, it has been classified as a Variant of Uncertain Significance.